The following is an entry in ClinVar:

ClinVar aggregate classification (germline): Uncertain significance (1 of 4 stars; one submission).

Submission:

GeneDx
Classification: Uncertain significance. Last evaluated: 2021-02-16. Review status: criteria provided, single submitter. Criteria: GeneDx Variant Classification Process June 2021. Collection method: clinical testing. Allele origin: germline. Affected: yes.
Comment: Not observed in large population cohorts (Lek et al., 2016); In silico analysis supports that this missense variant has a deleterious effect on protein structure/function; Has not been previously published as pathogenic or benign to our knowledge

NM_015335.5(MED13L):c.4033A>G (p.Arg1345Gly)

Gene: MED13L (mediator complex subunit 13L; minus strand). Cytogenetic location: 12q24.21.
Variant type: single nucleotide variant.
Coding change: c.4033A>G on transcript NM_015335.5 (MANE Select); coding-DNA position 4033, A replaced by G.
Protein change: p.Arg1345Gly; replaces arginine 1345 with glycine.
Molecular consequence: missense variant.
Genome position (GRCh38, 1-based): chr12:115,987,190, T>C on the plus strand (A>G on the coding strand, the complement: MED13L is on the minus strand). VCF-style: chr12-115987190-T-C. GRCh37 (hg19) VCF-style: chr12-116424995-T-C.
Other names: short protein forms R1345G.
Identifiers: ClinVar variation 1306604 (VCV001306604.2), dbSNP rs2137290173, ClinGen allele CA386885333.